The following is an entry in ClinVar:

ClinVar aggregate classification (germline): Uncertain significance (1 of 4 stars; one submission).

Conditions:
Ullrich congenital muscular dystrophy 2 (UCMD2). Identifiers: Orphanet 75840, MedGen C4225314, MONDO:0014654, OMIM 616470.
Bethlem myopathy 2 (BTHLM2). Identifiers: Orphanet 536516, Orphanet 610, MedGen C4225313, MONDO:0034022, OMIM 616471.

gnomAD v4.1: 4 of 1,614,028 alleles (0.00025%); highest among the groups gnomAD compares: Non-Finnish European, 0.00034%; no homozygotes.

Submission:

Labcorp Genetics (formerly Invitae), Labcorp
Classification: Uncertain significance for Bethlem myopathy 2; Ullrich congenital muscular dystrophy 2. Last evaluated: 2026-01-27. Review status: criteria provided, single submitter. Criteria: Invitae Variant Classification Sherloc (09022015). Collection method: clinical testing. Allele origin: germline.
Comment: This sequence change replaces arginine, which is basic and polar, with threonine, which is neutral and polar, at codon 460 of the COL12A1 protein (p.Arg460Thr). This variant is present in population databases (no rsID available, gnomAD 0.007%). This variant has not been reported in the literature in individuals affected with COL12A1-related conditions. Invitae Evidence Modeling of protein sequence and biophysical properties (such as structural, functional, and spatial information, amino acid conservation, physicochemical variation, residue mobility, and thermodynamic stability) has been performed for this missense variant. However, the output from this modeling did not meet the statistical confidence thresholds required to predict the impact of this variant on COL12A1 protein function. In summary, the available evidence is currently insufficient to determine the role of this variant in disease. Therefore, it has been classified as a Variant of Uncertain Significance.

NM_004370.6(COL12A1):c.1379G>C (p.Arg460Thr)

Gene: COL12A1 (collagen type XII alpha 1 chain; minus strand). Cytogenetic location: 6q13.
Variant type: single nucleotide variant.
Coding change: c.1379G>C on transcript NM_004370.6 (MANE Select); coding-DNA position 1379, G replaced by C.
Protein change: p.Arg460Thr; replaces arginine 460 with threonine.
Molecular consequence: missense variant. On other transcripts: intron variant (2).
Genome position (GRCh38, 1-based): chr6:75,183,562, C>G on the plus strand (G>C on the coding strand, the complement: COL12A1 is on the minus strand). VCF-style: chr6-75183562-C-G. GRCh37 (hg19) VCF-style: chr6-75893278-C-G.
Other names: c.1379G>C, p.Arg460Thr (NM_001424113.1, NM_001424114.1, NM_001424115.1); c.73+19158G>C (NM_001424116.1, NM_080645.3); short protein forms R460T.
Identifiers: ClinVar variation 4783001 (VCV004783001.1).